The following is an entry in ClinVar:

ClinVar aggregate classification (germline): Uncertain significance. Review status: criteria provided, multiple submitters, no conflicts (2 of 4 stars). 2 submissions from 2 submitters: Uncertain significance (2). Last evaluated 2021-12-09.

Conditions:
Catecholaminergic polymorphic ventricular tachycardia 5 (CARDAR). Also called: Ventricular tachycardia, catecholaminergic polymorphic, 5, with or without muscle weakness; CARDIAC ARRHYTHMIA SYNDROME, WITH OR WITHOUT SKELETAL MUSCLE WEAKNESS. Identifiers: Orphanet 3286, MedGen C3809536, MONDO:0014191, OMIM 615441.
Catecholaminergic polymorphic ventricular tachycardia 1. Also called: RYR2-Related Catecholaminergic Polymorphic Ventricular Tachycardia; VENTRICULAR TACHYCARDIA, STRESS-INDUCED POLYMORPHIC 1; VENTRICULAR TACHYCARDIA, CATECHOLAMINERGIC POLYMORPHIC, 1, WITH OR WITHOUT ATRIAL DYSFUNCTION AND/OR DILATED CARDIOMYOPATHY. Identifiers: Orphanet 3286, MedGen C1631597, MONDO:0011484, OMIM 604772.

Allele frequency attached by ClinVar (database versions not stated): gnomAD 0.00002; TOPMed 0.00002; gnomAD exomes 0.00003.
gnomAD v4.1: 50 of 1,528,166 alleles (0.0033%); highest among the groups gnomAD compares: Non-Finnish European, 0.0039%; no homozygotes.

Submissions (2):

Labcorp Genetics (formerly Invitae), Labcorp
Classification: Uncertain significance for Catecholaminergic polymorphic ventricular tachycardia 1. Last evaluated: 2021-12-09. Review status: criteria provided, single submitter. Criteria: Invitae Variant Classification Sherloc (09022015). Collection method: clinical testing. Allele origin: germline.
Comment: This sequence change affects codon 557 of the TRDN mRNA. It is a 'silent' change, meaning that it does not change the encoded amino acid sequence of the TRDN protein. It affects a nucleotide within the consensus splice site. The frequency data for this variant in the population databases is considered unreliable, as metrics indicate poor data quality at this position in the gnomAD database. This variant has not been reported in the literature in individuals affected with TRDN-related conditions. ClinVar contains an entry for this variant (Variation ID: 1032405). Algorithms developed to predict the effect of sequence changes on RNA splicing suggest that this variant may disrupt the consensus splice site. In summary, the available evidence is currently insufficient to determine the role of this variant in disease. Therefore, it has been classified as a Variant of Uncertain Significance.

Baylor Genetics
Classification: Uncertain significance for Catecholaminergic polymorphic ventricular tachycardia 5. Last evaluated: 2018-03-02. Review status: criteria provided, single submitter. Criteria: ACMG Guidelines, 2015. Collection method: clinical testing. Allele origin: paternal. Affected: yes.
Comment: This variant was determined to be of uncertain significance according to ACMG Guidelines, 2015 [PMID:25741868].

NM_006073.4(TRDN):c.1671A>G (p.Pro557=)

Gene: TRDN (triadin; minus strand). Cytogenetic location: 6q22.31.
Variant type: single nucleotide variant.
Coding change: c.1671A>G on transcript NM_006073.4 (MANE Select); coding-DNA position 1671, A replaced by G.
Protein change: p.Pro557=; no amino-acid change (proline 557 retained).
Molecular consequence: synonymous variant.
Genome position (GRCh38, 1-based): chr6:123,272,965, T>C on the plus strand (A>G on the coding strand, the complement: TRDN is on the minus strand). VCF-style: chr6-123272965-T-C. GRCh37 (hg19) VCF-style: chr6-123594110-T-C.
Identifiers: ClinVar variation 1032405 (VCV001032405.5), dbSNP rs935484433, ClinGen allele CA147231625.